The following is an entry in ClinVar:

ClinVar aggregate classification (germline): Pathogenic/Likely pathogenic. Review status: criteria provided, multiple submitters, no conflicts (2 of 4 stars). 4 submissions from 4 submitters: Pathogenic (1); Likely pathogenic (3). Last evaluated 2025-08-18.

Conditions:
FLG-related disorder. Also called: FLG-related condition; FLG-related disorders.
Ichthyosis vulgaris. Also called: ICHTHYOSIS SIMPLEX; Dominant ichthyosis vulgaris. Identifiers: MedGen C0079584, MONDO:0024304, OMIM 146700.

Submissions (4):

Variantyx, Inc.
Classification: Likely pathogenic for Ichthyosis vulgaris. Last evaluated: 2025-08-18. Review status: criteria provided, single submitter. Criteria: Variantyx Assertion Criteria 2022. Collection method: clinical testing. Allele origin: germline. Inheritance: Semidominant inheritance. Affected: no.
Comment: This is a frameshift variant in the FLG gene (OMIM: 135940). Pathogenic variants in this gene have been associated with autosomal semidominant ichthyosis vulgaris. This variant introduces a premature termination codon in exon 3 out of 3 and is expected to result in loss of function, which is a known disease mechanism for FLG in this disorder (PMID: 16444271, 19037238, 27519469) (PVS1). This variant has a 0.0011% maximum allele frequency in non-founder control populations (PM2). Based on the current evidence, this variant is classified as likely pathogenic for autosomal semidominant ichthyosis vulgaris.

GeneDx
Classification: Pathogenic. Last evaluated: 2023-08-24. Review status: criteria provided, single submitter. Criteria: GeneDx Variant Classification Process June 2021. Collection method: clinical testing. Allele origin: germline. Affected: yes.
Comment: Reported using alternate nomenclature 6867delAG in a patient with severe ichthyosis vulgaris in the published literature (Sandilands et al., 2007); Frameshift variant predicted to result in protein truncation, as the last 1773 amino acids are replaced with 30 different amino acids, and other loss-of-function variants have been reported downstream in HGMD; Not observed at significant frequency in large population cohorts (gnomAD); This variant is associated with the following publications: (PMID: 17417636)

Department of Pathology and Laboratory Medicine, Sinai Health System
Classification: Likely pathogenic for Ichthyosis vulgaris. Last evaluated: 2022-11-21. Review status: criteria provided, single submitter. Criteria: ACMG Guidelines, 2015. Collection method: research. Allele origin: germline.

Blueprint Genetics
Classification: Likely pathogenic for FLG-related disorders. Last evaluated: 2022-08-08. Review status: criteria provided, single submitter. Criteria: ACMG Guidelines, 2015. Collection method: clinical testing. Allele origin: germline. Affected: yes. Observed: 2 variant alleles.

Literature cited by the submitters: PubMed 16444271 (cited by Variantyx, Inc.); PubMed 19037238 (cited by Variantyx, Inc.); PubMed 27519469 (cited by Variantyx, Inc.).

NM_002016.2(FLG):c.6867_6868del (p.Arg2289fs)

Genes: CCDST (cervical cancer associated DHX9 suppressive transcript; plus strand), FLG (filaggrin; minus strand). Cytogenetic location: 1q21.3.
Variant type: Microsatellite.
Coding change: c.6867_6868del on transcript NM_002016.2 (MANE Select); coding-DNA positions 6867 to 6868, 2 bases deleted (AG; older notation c.6867_6868delAG).
Protein change: p.Arg2289fs; shifts the reading frame from arginine 2289.
Molecular consequence: frameshift variant.
Genome position (GRCh38, 1-based): chr1:152,308,018-152,308,019, CT deleted on the plus strand (AG on the coding strand, the reverse complement: FLG is on the minus strand); deleting any 2 consecutive bases within chr1:152,308,018-152,308,021 gives the same sequence; the c. name uses the placement nearest the transcript's 3' end. VCF-style (leftmost placement, unchanged base first): chr1-152308017-GCT-G. GRCh37 (hg19) VCF-style: chr1-152280493-GCT-G.
Other names: c.6865_6866AG[1], p.Arg2289Serfs (NM_002016.1); c.6867_6868del (NM_002016.1); short protein forms R2289fs.
Identifiers: ClinVar variation 3252885 (VCV003252885.3), dbSNP rs745722569.